The following is an entry in ClinVar:

ClinVar aggregate classification (germline): Uncertain significance (1 of 4 stars; one submission).

Submission:

GeneDx
Classification: Uncertain significance. Last evaluated: 2023-07-27. Review status: criteria provided, single submitter. Criteria: GeneDx Variant Classification Process June 2021. Collection method: clinical testing. Allele origin: germline. Affected: yes.
Comment: Not observed at significant frequency in large population cohorts (gnomAD); In silico analysis supports that this missense variant has a deleterious effect on protein structure/function; This variant is associated with the following publications: (PMID: Kurnaz2021[Poster])

NM_000388.4(CASR):c.1583T>A (p.Ile528Asn)

Gene: CASR (calcium sensing receptor; plus strand). Cytogenetic location: 3q21.1.
Variant type: single nucleotide variant.
Coding change: c.1583T>A on transcript NM_000388.4 (MANE Select); coding-DNA position 1583, T replaced by A.
Protein change: p.Ile528Asn; replaces isoleucine 528 with asparagine.
Molecular consequence: missense variant.
Genome position (GRCh38, 1-based): chr3:122,276,017, T>A. VCF-style: chr3-122276017-T-A. GRCh37 (hg19) VCF-style: chr3-121994864-T-A.
Other names: c.1583T>A, p.Ile528Asn (NM_001178065.2); short protein forms I528N.
Identifiers: ClinVar variation 3361649 (VCV003361649.1).
Genomic context (GRCh38, chr3:122,276,017, plus strand): 5'-TCGGGTATTACAACGTCTATGCCAAGAAGGGAGAAAGACTCTTCATCAACGAGGAGAAAA[T>A]CCTGTGGAGTGGGTTCTCCAGGGAGGTAGGTGCTGTCCATCAGAAAACCAGATGTCTCCA-3'
Protein context (NP_000379.3, residues 518-538): GERLFINEEK[Ile528Asn]LWSGFSREVP